The following is an entry in ClinVar:

ClinVar aggregate classification (germline): Uncertain significance (1 of 4 stars; one submission).

Submission:

GeneDx
Classification: Uncertain significance. Last evaluated: 2024-04-01. Review status: criteria provided, single submitter. Criteria: GeneDx Variant Classification Process June 2021. Collection method: clinical testing. Allele origin: germline. Affected: yes.
Comment: Not observed at significant frequency in large population cohorts (gnomAD); In silico analysis supports that this missense variant does not alter protein structure/function; Has not been previously published as pathogenic or benign to our knowledge

NM_001394998.1(TANC2):c.4204C>A (p.Leu1402Met)

Gene: TANC2 (tetratricopeptide repeat, ankyrin repeat and coiled-coil containing 2; plus strand). Cytogenetic location: 17q23.3.
Variant type: single nucleotide variant.
Coding change: c.4204C>A on transcript NM_001394998.1 (MANE Select); coding-DNA position 4204, C replaced by A.
Protein change: p.Leu1402Met; replaces leucine 1402 with methionine.
Molecular consequence: missense variant.
Genome position (GRCh38, 1-based): chr17:63,418,343, C>A. VCF-style: chr17-63418343-C-A. GRCh37 (hg19) VCF-style: chr17-61495704-C-A.
Other names: c.3982C>A, p.Leu1328Met (NM_001411076.1); c.3952C>A, p.Leu1318Met (NM_025185.4); short protein forms L1318M, L1328M, L1402M.
Identifiers: ClinVar variation 3371783 (VCV003371783.1).
Genomic context (GRCh38, chr17:63,418,343, plus strand): 5'-TTTGCACACCTATTGTAATGACAGGATTTTGGAATGGCGGAGGAATTTGCTACTAAGGCC[C>A]TGGAGCTGAAACCGAAATCTTATGAAGCTTACTATGCGAGAGCAAGGGCAAAACGCAGCA-3'
Protein context (NP_001381927.1, residues 1392-1412): GMAEEFATKA[Leu1402Met]ELKPKSYEAY